The following is an entry in ClinVar:

NM_024649.5(BBS1):c.625A>G (p.Asn209Asp)

Gene: BBS1 (Bardet-Biedl syndrome 1; plus strand). Cytogenetic location: 11q13.2.
Variant type: single nucleotide variant.
Coding change: c.625A>G on transcript NM_024649.5 (MANE Select); coding-DNA position 625, A replaced by G.
Protein change: p.Asn209Asp; replaces asparagine 209 with aspartic acid.
Molecular consequence: missense variant.
Genome position (GRCh38, 1-based): chr11:66,519,650, A>G. VCF-style: chr11-66519650-A-G. GRCh37 (hg19) VCF-style: chr11-66287121-A-G.
Other names: short protein forms N209D.
Identifiers: ClinVar variation 3349829 (VCV003349829.1).
Genomic context (GRCh38, chr11:66,519,650, plus strand): 5'-TGGGTGACCCCTGGAGTCCTTCTGTAGACAGTCATCACCACCATGACCACCTTGAAGAAG[A>G]ACCTGGCTGACGAGGATGCTGTGTCTTGCCTGGTGCTGGGCACCGAGAACAAGGAGCTCC-3'
Protein context (NP_078925.3, residues 199-219): VITTMTTLKK[Asn209Asp]LADEDAVSCL

ClinVar aggregate classification (germline): Uncertain significance (0 of 4 stars; one submission).

Conditions:
BBS1-related disorder. Also called: BBS1-related condition.

Submission:

PreventionGenetics, part of Exact Sciences
Classification: Uncertain significance for BBS1-related condition. Last evaluated: 2024-03-06. Review status: no assertion criteria provided. Collection method: clinical testing. Allele origin: germline.
Comment: The BBS1 c.625A>G variant is predicted to result in the amino acid substitution p.Asn209Asp. To our knowledge, this variant has not been reported in the literature or in a large population database, indicating this variant is rare. At this time, the clinical significance of this variant is uncertain due to the absence of conclusive functional and genetic evidence.